The following is an entry in ClinVar:

ClinVar aggregate classification (germline): Uncertain significance (1 of 4 stars; one submission).

Conditions:
Muscular dystrophy-dystroglycanopathy (congenital with brain and eye anomalies), type a, 8 (MDDGA8). Also called: WALKER-WARBURG SYNDROME OR MUSCLE-EYE-BRAIN DISEASE, GTDC2-RELATED. Identifiers: Orphanet 899, MedGen C3553813, MONDO:0013904, OMIM 614830.

Allele frequency attached by ClinVar (database versions not stated): ExAC 0.00001; gnomAD 0.00001; gnomAD exomes 0.00001; TOPMed 0.00001.

Submission:

Labcorp Genetics (formerly Invitae), Labcorp
Classification: Uncertain significance for Muscular dystrophy-dystroglycanopathy (congenital with brain and eye anomalies), type a, 8. Last evaluated: 2022-06-23. Review status: criteria provided, single submitter. Criteria: Invitae Variant Classification Sherloc (09022015). Collection method: clinical testing. Allele origin: germline.
Comment: In summary, the available evidence is currently insufficient to determine the role of this variant in disease. Therefore, it has been classified as a Variant of Uncertain Significance. Algorithms developed to predict the effect of sequence changes on RNA splicing suggest that this variant may create or strengthen a splice site. Algorithms developed to predict the effect of missense changes on protein structure and function are either unavailable or do not agree on the potential impact of this missense change (SIFT: "Deleterious"; PolyPhen-2: "Probably Damaging"; Align-GVGD: "Class C0"). This variant has not been reported in the literature in individuals affected with POMGNT2-related conditions. This variant is present in population databases (rs779898483, gnomAD 0.003%). This sequence change replaces arginine, which is basic and polar, with glutamine, which is neutral and polar, at codon 407 of the POMGNT2 protein (p.Arg407Gln).

NM_032806.6(POMGNT2):c.1220G>A (p.Arg407Gln)

Gene: POMGNT2 (protein O-linked mannose N-acetylglucosaminyltransferase 2 (beta 1,4-); minus strand). Cytogenetic location: 3p22.1.
Variant type: single nucleotide variant.
Coding change: c.1220G>A on transcript NM_032806.6 (MANE Select); coding-DNA position 1220, G replaced by A.
Protein change: p.Arg407Gln; replaces arginine 407 with glutamine.
Molecular consequence: missense variant.
Genome position (GRCh38, 1-based): chr3:43,080,212, C>T on the plus strand (G>A on the coding strand, the complement: POMGNT2 is on the minus strand). VCF-style: chr3-43080212-C-T. GRCh37 (hg19) VCF-style: chr3-43121704-C-T.
Other names: short protein forms R407Q.
Identifiers: ClinVar variation 1948534 (VCV001948534.5), dbSNP rs779898483, ClinGen allele CA2339902.
Genomic context (GRCh38, chr3:43,080,212, plus strand): 5'-TGCAGGATACGGGCTTGCTCAGCCCGGTCCAGATGGGTGATGCCCCCCTGATCCCAGGGC[C>T]GCTCAGGGTGTGTGACTGTGTTCTCTGGCATCATGTTCCGCCAGGCTACATACTGGAGGT-3'
Protein context (NP_116195.2, residues 397-417): MPENTVTHPE[Arg407Gln]PWDQGGITHL